The following is an entry in ClinVar:

NM_005475.3(SH2B3):c.485C>G (p.Ala162Gly)

Gene: SH2B3 (SH2B adaptor protein 3; plus strand). Cytogenetic location: 12q24.12.
Variant type: single nucleotide variant.
Coding change: c.485C>G on transcript NM_005475.3 (MANE Select); coding-DNA position 485, C replaced by G.
Protein change: p.Ala162Gly; replaces alanine 162 with glycine.
Molecular consequence: missense variant.
Genome position (GRCh38, 1-based): chr12:111,418,630, C>G. VCF-style: chr12-111418630-C-G. GRCh37 (hg19) VCF-style: chr12-111856434-C-G.
Other names: short protein forms A162G.
Identifiers: ClinVar variation 4826769 (VCV004826769.1).

ClinVar aggregate classification (germline): Uncertain significance (1 of 4 stars; one submission).

Conditions:
Inborn genetic diseases. Identifiers: MedGen C0950123, MeSH D030342.

Submission:

Ambry Genetics
Classification: Uncertain significance for Inborn genetic diseases. Last evaluated: 2026-02-24. Review status: criteria provided, single submitter. Criteria: Ambry Variant Classification Scheme 2023. Collection method: clinical testing. Allele origin: germline.
Comment: The p.A162G variant (also known as c.485C>G), located in coding exon 1 of the SH2B3 gene, results from a C to G substitution at nucleotide position 485. The alanine at codon 162 is replaced by glycine, an amino acid with similar properties. This amino acid position is conserved. In addition, this alteration is predicted to be tolerated by in silico analysis. Based on the available evidence, the clinical significance of this variant remains unclear.